The following is an entry in ClinVar:

NM_025179.4(PLXNA2):c.4130G>C (p.Ser1377Thr)

Gene: PLXNA2 (plexin A2; minus strand). Cytogenetic location: 1q32.2.
Variant type: single nucleotide variant.
Coding change: c.4130G>C on transcript NM_025179.4 (MANE Select); coding-DNA position 4130, G replaced by C.
Protein change: p.Ser1377Thr; replaces serine 1377 with threonine.
Molecular consequence: missense variant.
Genome position (GRCh38, 1-based): chr1:208,042,254, C>G on the plus strand (G>C on the coding strand, the complement: PLXNA2 is on the minus strand). VCF-style: chr1-208042254-C-G. GRCh37 (hg19) VCF-style: chr1-208215599-C-G.
Other names: short protein forms S1377T.
Identifiers: ClinVar variation 3344408 (VCV003344408.1).

ClinVar aggregate classification (germline): Uncertain significance (0 of 4 stars; one submission).

Conditions:
PLXNA2-related disorder. Also called: PLXNA2-related condition.

gnomAD v4.1: 4 of 1,614,224 alleles (0.00025%); highest among the groups gnomAD compares: Non-Finnish European, 0.00034%; no homozygotes.

Submission:

PreventionGenetics, part of Exact Sciences
Classification: Uncertain significance for PLXNA2-related condition. Last evaluated: 2024-07-17. Review status: no assertion criteria provided. Collection method: clinical testing. Allele origin: germline.
Comment: The PLXNA2 c.4130G>C variant is predicted to result in the amino acid substitution p.Ser1377Thr. To our knowledge, this variant has not been reported in the literature or in a large population database, indicating this variant is rare. At this time, the clinical significance of this variant is uncertain due to the absence of conclusive functional and genetic evidence.